The following is an entry in ClinVar:

ClinVar aggregate classification (germline): Uncertain significance (1 of 4 stars; one submission).

Conditions:
Cardiovascular phenotype. Identifiers: MedGen CN230736.

Submission:

Ambry Genetics
Classification: Uncertain significance for Cardiovascular phenotype. Last evaluated: 2022-10-09. Review status: criteria provided, single submitter. Criteria: Ambry Variant Classification Scheme 2023. Collection method: clinical testing. Allele origin: germline.
Comment: The p.C3541G variant (also known as c.10621T>G), located in coding exon 2 of the ZNF469 gene, results from a T to G substitution at nucleotide position 10621. The cysteine at codon 3541 is replaced by glycine, an amino acid with highly dissimilar properties. This amino acid position is conserved. In addition, this alteration is predicted to be tolerated by in silico analysis. Since supporting evidence is limited at this time, the clinical significance of this alteration remains unclear.

NM_001367624.2(ZNF469):c.10705T>G (p.Cys3569Gly)

Gene: ZNF469 (zinc finger protein 469; plus strand). Cytogenetic location: 16q24.2.
Variant type: single nucleotide variant.
Coding change: c.10705T>G on transcript NM_001367624.2 (MANE Select); coding-DNA position 10705, T replaced by G.
Protein change: p.Cys3569Gly; replaces cysteine 3569 with glycine.
Molecular consequence: missense variant.
Genome position (GRCh38, 1-based): chr16:88,438,175, T>G. VCF-style: chr16-88438175-T-G. GRCh37 (hg19) VCF-style: chr16-88504583-T-G.
Other names: NM_001127464.1:c.10621T>G; short protein forms C3569G.
Identifiers: ClinVar variation 1780505 (VCV001780505.2), dbSNP rs2507607288, ClinGen allele CA397127530.